The following is an entry in ClinVar:

NM_000238.4(KCNH2):c.2672_2673delinsAT (p.Phe891Tyr)

Gene: KCNH2 (potassium voltage-gated channel subfamily H member 2; minus strand). Cytogenetic location: 7q36.1.
Variant type: Indel.
Coding change: c.2672_2673delinsAT on transcript NM_000238.4 (MANE Select); coding-DNA positions 2672 to 2673, TC replaced by AT.
Protein change: p.Phe891Tyr; replaces phenylalanine 891 with tyrosine.
Molecular consequence: missense variant.
Genome position (GRCh38, 1-based): chr7:150,948,463-150,948,464, GA replaced by AT on the plus strand (TC replaced by AT on the coding strand, the reverse complement: KCNH2 is on the minus strand). VCF-style: chr7-150948463-GA-AT. GRCh37 (hg19) VCF-style: chr7-150645551-GA-AT.
Other names: c.1652_1653delinsAT, p.Phe551Tyr (NM_172057.3); short protein forms F551Y, F891Y.
Identifiers: ClinVar variation 1331999 (VCV001331999.5), dbSNP rs2116937780, ClinGen allele CA2573052836.

ClinVar aggregate classification (germline): Uncertain significance (1 of 4 stars; one submission).

Conditions:
Cardiac arrhythmia. Also called: Arrhythmia; Cardiac rhythm disease. Identifiers: MedGen C0003811, MONDO:0007263, HP:0011675.

Submission:

Color Diagnostics, LLC DBA Color Health
Classification: Uncertain significance for Cardiac arrhythmia. Last evaluated: 2024-03-06. Review status: criteria provided, single submitter. Criteria: ACMG Guidelines, 2015. Collection method: clinical testing. Allele origin: germline.
Comment: This variant deletes and inserts 2 nucleotides in exon 11 of the KCNH2 gene, replacing phenylalanine with tyrosine at codon 891 of the KCNH2 protein. Computational prediction is inconclusive regarding the impact of this variant on protein structure and function (internally defined REVEL score threshold 0.5 < inconclusive < 0.7, PMID: 27666373). To our knowledge, functional studies have not been reported for this variant. This variant has not been reported in individuals affected with cardiovascular disorders in the literature. This variant has not been identified in the general population by the Genome Aggregation Database (gnomAD). The available evidence is insufficient to determine the role of this variant in disease conclusively. Therefore, this variant is classified as a Variant of Uncertain Significance.